The following is an entry in ClinVar:

ClinVar aggregate classification (germline): Uncertain significance (1 of 4 stars; one submission).

Submission:

Labcorp Genetics (formerly Invitae), Labcorp
Classification: Uncertain significance. Last evaluated: 2022-02-22. Review status: criteria provided, single submitter. Criteria: Invitae Variant Classification Sherloc (09022015). Collection method: clinical testing. Allele origin: germline.
Comment: This sequence change replaces arginine, which is basic and polar, with leucine, which is neutral and non-polar, at codon 308 of the CREB3L1 protein (p.Arg308Leu). This variant is not present in population databases (gnomAD no frequency). This variant has not been reported in the literature in individuals affected with CREB3L1-related conditions. Algorithms developed to predict the effect of missense changes on protein structure and function are either unavailable or do not agree on the potential impact of this missense change (SIFT: "Deleterious"; PolyPhen-2: "Probably Damaging"; Align-GVGD: "Class C0"). In summary, the available evidence is currently insufficient to determine the role of this variant in disease. Therefore, it has been classified as a Variant of Uncertain Significance.

NM_052854.4(CREB3L1):c.923G>T (p.Arg308Leu)

Gene: CREB3L1 (cAMP responsive element binding protein 3 like 1; plus strand). Cytogenetic location: 11p11.2.
Variant type: single nucleotide variant.
Coding change: c.923G>T on transcript NM_052854.4 (MANE Select); coding-DNA position 923, G replaced by T.
Protein change: p.Arg308Leu; replaces arginine 308 with leucine.
Molecular consequence: missense variant.
Genome position (GRCh38, 1-based): chr11:46,312,631, G>T. VCF-style: chr11-46312631-G-T. GRCh37 (hg19) VCF-style: chr11-46334182-G-T.
Other names: short protein forms R308L.
Identifiers: ClinVar variation 2098607 (VCV002098607.4), dbSNP rs776946932, ClinGen allele CA380221854.